The following is an entry in ClinVar:

NM_002618.4(PEX13):c.283C>T (p.Pro95Ser)

Gene: PEX13 (peroxisomal biogenesis factor 13; plus strand). Cytogenetic location: 2p15.
Variant type: single nucleotide variant.
Coding change: c.283C>T on transcript NM_002618.4 (MANE Select); coding-DNA position 283, C replaced by T.
Protein change: p.Pro95Ser; replaces proline 95 with serine.
Molecular consequence: missense variant.
Genome position (GRCh38, 1-based): chr2:61,031,609, C>T. VCF-style: chr2-61031609-C-T. GRCh37 (hg19) VCF-style: chr2-61258744-C-T.
Other names: short protein forms P95S.
Identifiers: ClinVar variation 1443920 (VCV001443920.3), dbSNP rs1680451211, ClinGen allele CA346941911.

ClinVar aggregate classification (germline): Uncertain significance (1 of 4 stars; one submission).

Conditions:
Peroxisome biogenesis disorder 11A (Zellweger). Also called: Peroxisome biogenesis disorder 11A. Identifiers: Orphanet 912, MedGen C3554000, MONDO:0013949, OMIM 614883.

Allele frequency attached by ClinVar (database versions not stated): gnomAD exomes below 0.00001.
gnomAD v4.1: 1 of 1,614,080 alleles (0.000062%); highest among the groups gnomAD compares: Non-Finnish European, 0.000085%; no homozygotes.

Submission:

Labcorp Genetics (formerly Invitae), Labcorp
Classification: Uncertain significance for Peroxisome biogenesis disorder 11A (Zellweger). Last evaluated: 2021-11-22. Review status: criteria provided, single submitter. Criteria: Invitae Variant Classification Sherloc (09022015). Collection method: clinical testing. Allele origin: germline.
Comment: This sequence change replaces proline, which is neutral and non-polar, with serine, which is neutral and polar, at codon 95 of the PEX13 protein (p.Pro95Ser). This variant is not present in population databases (gnomAD no frequency). This variant has not been reported in the literature in individuals affected with PEX13-related conditions. Algorithms developed to predict the effect of missense changes on protein structure and function (SIFT, PolyPhen-2, Align-GVGD) all suggest that this variant is likely to be tolerated. In summary, the available evidence is currently insufficient to determine the role of this variant in disease. Therefore, it has been classified as a Variant of Uncertain Significance.